The following is an entry in ClinVar:

ClinVar aggregate classification (germline): Uncertain significance. Review status: criteria provided, multiple submitters, no conflicts (2 of 4 stars). 8 submissions from 8 submitters: Uncertain significance (8). Last evaluated 2024-11-19.

Conditions:
Inborn genetic diseases. Identifiers: MedGen C0950123, MeSH D030342.
Immunodeficiency 23 (IMD23). Also called: IMMUNODEFICIENCY WITH HYPER IgE AND COGNITIVE IMPAIRMENT; IMMUNODEFICIENCY-VASCULITIS-MYOCLONUS SYNDROME. Identifiers: Orphanet 443811, MedGen C4014371, MONDO:0014353, OMIM 615816.

Allele frequency attached by ClinVar (database versions not stated): ExAC 0.00050; ESP Exome Variant Server 0.00054; TOPMed 0.00060; gnomAD 0.00061 and 0.00064; gnomAD exomes 0.00062 and 0.00079; 1000 Genomes Project 30x 0.00016; 1000 Genomes Project 0.00020.
gnomAD v4.1: 1,227 of 1,612,912 alleles (0.076%); highest among the groups gnomAD compares: Admixed American, 0.093%; 4 homozygotes.

Submissions (8):

Blueprint Genetics
Classification: Uncertain significance. Last evaluated: 2024-11-19. Review status: criteria provided, single submitter. Criteria: ACMG Guidelines, 2015. Collection method: clinical testing. Allele origin: germline.

CeGaT Center for Human Genetics Tuebingen
Classification: Uncertain significance. Last evaluated: 2024-11-01. Review status: criteria provided, single submitter. Criteria: CeGaT Center For Human Genetics Tuebingen Variant Classification Criteria Version 2. Collection method: clinical testing. Allele origin: germline. Affected: yes. Observed: 1 variant allele.

Labcorp Genetics (formerly Invitae), Labcorp
Classification: Uncertain significance for Immunodeficiency 23. Last evaluated: 2022-10-22. Review status: criteria provided, single submitter. Criteria: Invitae Variant Classification Sherloc (09022015). Collection method: clinical testing. Allele origin: germline.
Comment: This sequence change replaces leucine, which is neutral and non-polar, with isoleucine, which is neutral and non-polar, at codon 480 of the PGM3 protein (p.Leu480Ile). This variant is present in population databases (rs201593125, gnomAD 0.09%), and has an allele count higher than expected for a pathogenic variant. This variant has not been reported in the literature in individuals affected with PGM3-related conditions. ClinVar contains an entry for this variant (Variation ID: 445475). Algorithms developed to predict the effect of missense changes on protein structure and function (SIFT, PolyPhen-2, Align-GVGD) all suggest that this variant is likely to be tolerated. In summary, the available evidence is currently insufficient to determine the role of this variant in disease. Therefore, it has been classified as a Variant of Uncertain Significance.

Fulgent Genetics
Classification: Uncertain significance for Immunodeficiency 23. Last evaluated: 2022-03-30. Review status: criteria provided, single submitter. Criteria: ACMG Guidelines, 2015. Collection method: clinical testing. Allele origin: unknown.

Ambry Genetics
Classification: Uncertain significance for Inborn genetic diseases. Last evaluated: 2020-11-18. Review status: criteria provided, single submitter. Criteria: Ambry Variant Classification Scheme 2023. Collection method: clinical testing. Allele origin: germline.
Comment: The c.1438C>A (p.L480I) alteration is located in exon 12 (coding exon 11) of the PGM3 gene. This alteration results from a C to A substitution at nucleotide position 1438, causing the leucine (L) at amino acid position 480 to be replaced by an isoleucine (I). Based on data from the Genome Aggregation Database (gnomAD) database, the PGM3 c.1438C>A alteration was observed in 0.06% (171/282058) of total alleles studied, with a frequency of 0.08% (30/35304) in the Latino subpopulation. This amino acid position is highly conserved in available vertebrate species. The p.L480I alteration is predicted to be tolerated by in silico analysis. Based on insufficient or conflicting evidence, the clinical significance of this alteration remains unclear.

Baylor Genetics
Classification: Uncertain significance for Immunodeficiency 23. Last evaluated: 2018-08-27. Review status: criteria provided, single submitter. Criteria: ACMG Guidelines, 2015. Collection method: clinical testing. Allele origin: maternal. Affected: yes.
Comment: This variant was determined to be of uncertain significance according to ACMG Guidelines, 2015 [PMID:25741868].

Center for Pediatric Genomic Medicine, Children's Mercy Hospital and Clinics
Classification: Uncertain significance. Last evaluated: 2017-03-17. Review status: criteria provided, single submitter. Criteria: ACMG Guidelines, 2015. Collection method: clinical testing. Allele origin: germline.

Breakthrough Genomics
Classification: Uncertain significance. Review status: criteria provided, single submitter. Criteria: ACMG Guidelines, 2015. Collection method: not provided. Allele origin: germline. Inheritance: Autosomal recessive inheritance. Affected: yes.

NM_015599.3(PGM3):c.1354C>A (p.Leu452Ile)

Gene: PGM3 (phosphoglucomutase 3; minus strand). Cytogenetic location: 6q14.1.
Variant type: single nucleotide variant.
Coding change: c.1354C>A on transcript NM_015599.3 (MANE Select); coding-DNA position 1354, C replaced by A.
Protein change: p.Leu452Ile; replaces leucine 452 with isoleucine.
Molecular consequence: missense variant. On other transcripts: non-coding transcript variant (1), intron variant (1).
Genome position (GRCh38, 1-based): chr6:83,171,948, G>T on the plus strand (C>A on the coding strand, the complement: PGM3 is on the minus strand). VCF-style: chr6-83171948-G-T. GRCh37 (hg19) VCF-style: chr6-83881667-G-T.
Other names: c.1438C>A, p.Leu480Ile (NM_001199917.2, NM_001367287.1); c.1111C>A, p.Leu371Ile (NM_001199918.2); c.1354C>A, p.Leu452Ile (NM_001199919.2); c.1243-1470C>A (NM_001367286.1); short protein forms L480I, L452I, L371I.
Identifiers: ClinVar variation 445475 (VCV000445475.28), dbSNP rs201593125, ClinGen allele CA3906543.